The following is an entry in ClinVar:

NM_006302.3(MOGS):c.1294G>A (p.Val432Ile)

Gene: MOGS (mannosyl-oligosaccharide glucosidase; minus strand). Cytogenetic location: 2p13.1.
Variant type: single nucleotide variant.
Coding change: c.1294G>A on transcript NM_006302.3 (MANE Select); coding-DNA position 1294, G replaced by A.
Protein change: p.Val432Ile; replaces valine 432 with isoleucine.
Molecular consequence: missense variant.
Genome position (GRCh38, 1-based): chr2:74,462,495, C>T on the plus strand (G>A on the coding strand, the complement: MOGS is on the minus strand). VCF-style: chr2-74462495-C-T. GRCh37 (hg19) VCF-style: chr2-74689622-C-T.
Other names: c.1294G>A, p.Val432Ile (LRG_1226t1); c.976G>A, p.Val326Ile (NM_001146158.2); short protein forms V326I, V432I.
Identifiers: ClinVar variation 662326 (VCV000662326.11), dbSNP rs552488837, ClinGen allele CA50475376.

ClinVar aggregate classification (germline): Uncertain significance (1 of 4 stars; one submission).

Conditions:
MOGS-congenital disorder of glycosylation. Also called: CDG IIb; CDG 2B; GLUCOSIDASE I DEFICIENCY; MOGS-CDG. Identifiers: Orphanet 79330, MedGen C1853736, MONDO:0011629, OMIM 606056.

Allele frequency attached by ClinVar (database versions not stated): TOPMed 0.00004; gnomAD 0.00010.
gnomAD v4.1: 20 of 1,608,178 alleles (0.0012%); highest among the groups gnomAD compares: Middle Eastern, 0.016%; no homozygotes.

Submission:

Labcorp Genetics (formerly Invitae), Labcorp
Classification: Uncertain significance for MOGS-congenital disorder of glycosylation. Last evaluated: 2022-09-06. Review status: criteria provided, single submitter. Criteria: Invitae Variant Classification Sherloc (09022015). Collection method: clinical testing. Allele origin: germline.
Comment: This sequence change replaces valine, which is neutral and non-polar, with isoleucine, which is neutral and non-polar, at codon 432 of the MOGS protein (p.Val432Ile). This variant has not been reported in the literature in individuals affected with MOGS-related conditions. This variant is present in population databases (no rsID available, gnomAD 0.004%). In summary, the available evidence is currently insufficient to determine the role of this variant in disease. Therefore, it has been classified as a Variant of Uncertain Significance. Algorithms developed to predict the effect of missense changes on protein structure and function (SIFT, PolyPhen-2, Align-GVGD) all suggest that this variant is likely to be tolerated. ClinVar contains an entry for this variant (Variation ID: 662326).